The following is an entry in ClinVar:

ClinVar aggregate classification (germline): Uncertain significance (1 of 4 stars; one submission).

Conditions:
Hereditary pulmonary alveolar proteinosis. Also called: Pulmonary surfactant metabolism dysfunction. Identifiers: Orphanet 264675, MedGen C3711368, MONDO:0012580.

Allele frequency attached by ClinVar (database versions not stated): gnomAD exomes below 0.00001.
gnomAD v4.1: 1 of 1,613,860 alleles (0.000062%); highest among the groups gnomAD compares: Non-Finnish European, 0.000085%; no homozygotes.

Submission:

Ambry Genetics
Classification: Uncertain significance for Hereditary pulmonary alveolar proteinosis. Last evaluated: 2023-09-05. Review status: criteria provided, single submitter. Criteria: Ambry Variant Classification Scheme 2023. Collection method: clinical testing. Allele origin: germline.
Comment: The p.G569D variant (also known as c.1706G>A), located in coding exon 11 of the ABCA3 gene, results from a G to A substitution at nucleotide position 1706. The glycine at codon 569 is replaced by aspartic acid, an amino acid with similar properties. This amino acid position is conserved. In addition, this alteration is predicted to be deleterious by in silico analysis. Since supporting evidence is limited at this time, the clinical significance of this alteration remains unclear.

NM_001089.3(ABCA3):c.1706G>A (p.Gly569Asp)

Gene: ABCA3 (ATP binding cassette subfamily A member 3; minus strand). Cytogenetic location: 16p13.3.
Variant type: single nucleotide variant.
Coding change: c.1706G>A on transcript NM_001089.3 (MANE Select); coding-DNA position 1706, G replaced by A.
Protein change: p.Gly569Asp; replaces glycine 569 with aspartic acid.
Molecular consequence: missense variant.
Genome position (GRCh38, 1-based): chr16:2,299,438, C>T on the plus strand (G>A on the coding strand, the complement: ABCA3 is on the minus strand). VCF-style: chr16-2299438-C-T. GRCh37 (hg19) VCF-style: chr16-2349439-C-T.
Other names: short protein forms G569D.
Identifiers: ClinVar variation 2585925 (VCV002585925.2), dbSNP rs2505644263, ClinGen allele CA394334030.